The following is an entry in ClinVar:

ClinVar aggregate classification (germline): Uncertain significance (1 of 4 stars; one submission).

gnomAD v4.1: 4 of 1,614,178 alleles (0.00025%); highest among the groups gnomAD compares: Non-Finnish European, 0.00034%; no homozygotes.

Submission:

Labcorp Genetics (formerly Invitae), Labcorp
Classification: Uncertain significance. Last evaluated: 2024-04-05. Review status: criteria provided, single submitter. Criteria: Invitae Variant Classification Sherloc (09022015). Collection method: clinical testing. Allele origin: germline.
Comment: This sequence change replaces arginine, which is basic and polar, with glutamine, which is neutral and polar, at codon 293 of the KCNA6 protein (p.Arg293Gln). This variant is not present in population databases (gnomAD no frequency). This variant has not been reported in the literature in individuals affected with KCNA6-related conditions. Advanced modeling of protein sequence and biophysical properties (such as structural, functional, and spatial information, amino acid conservation, physicochemical variation, residue mobility, and thermodynamic stability) performed at Invitae indicates that this missense variant is not expected to disrupt KCNA6 protein function with a negative predictive value of 80%. In summary, the available evidence is currently insufficient to determine the role of this variant in disease. Therefore, it has been classified as a Variant of Uncertain Significance.

NM_002235.5(KCNA6):c.878G>A (p.Arg293Gln)

Genes: KCNA6 (potassium voltage-gated channel subfamily A member 6; plus strand), KCNA6-AS1 (KCNA6 antisense RNA 1; minus strand). Cytogenetic location: 12p13.32.
Variant type: single nucleotide variant.
Coding change: c.878G>A on transcript NM_002235.5 (MANE Select); coding-DNA position 878, G replaced by A.
Protein change: p.Arg293Gln; replaces arginine 293 with glutamine.
Molecular consequence: missense variant. On other transcripts: non-coding transcript variant (3).
Genome position (GRCh38, 1-based): chr12:4,810,919, G>A. VCF-style: chr12-4810919-G-A. GRCh37 (hg19) VCF-style: chr12-4920085-G-A.
Other names: short protein forms R293Q.
Identifiers: ClinVar variation 3679075 (VCV003679075.2).